The following is an entry in ClinVar:

NM_001077365.2(POMT1):c.2003+12_2003+13delinsAT

Gene: POMT1 (protein O-mannosyltransferase 1; plus strand). Cytogenetic location: 9q34.13.
Variant type: Indel.
Coding change: c.2003+12_2003+13delinsAT on transcript NM_001077365.2 (MANE Select); bases 12 to 13 of the intron after coding-DNA position 2003, GC replaced by AT.
Molecular consequence: intron variant.
Genome position (GRCh38, 1-based): chr9:131,522,236-131,522,237, GC replaced by AT. VCF-style: chr9-131522236-GC-AT. GRCh37 (hg19) VCF-style: chr9-134397623-GC-AT.
Other names: c.1907+12_1907+13delinsAT (NM_001353198.2, NM_001353197.2); c.2069+12_2069+13delinsAT (NM_001353193.2, NM_007171.4); c.2003+12_2003+13delinsAT (NM_001136113.2); c.1841+12_1841+13delinsAT (NM_001353194.2, NM_001077366.2); c.1652+12_1652+13delinsAT (NM_001374691.1, NM_001353195.2, NM_001374692.1 and 2 more transcripts); c.1784+12_1784+13delinsAT (NM_001374690.1); c.1913+12_1913+13delinsAT (NM_001353196.2); c.1613+12_1613+13delinsAT (NM_001374695.1); and 4 more.
Identifiers: ClinVar variation 2947080 (VCV002947080.1), dbSNP rs2539479317, ClinGen allele CA2740092905.

ClinVar aggregate classification (germline): Uncertain significance (1 of 4 stars; one submission).

Conditions:
Walker-Warburg congenital muscular dystrophy. Also called: Muscular dystrophy-dystroglycanopathy, type A; Walker-Warburg syndrome. Identifiers: Orphanet 899, MedGen C0265221, MONDO:0000171.
Muscular dystrophy-dystroglycanopathy (congenital with impaired intellectual development), type B, 1. Also called: MUSCULAR DYSTROPHY, CONGENITAL, POMT1-RELATED; Muscular dystrophy-dystroglycanopathy (congenital with intellectual disability), type B1. Identifiers: MedGen C5436962, MONDO:0013159, OMIM 613155.
Autosomal recessive limb-girdle muscular dystrophy type 2K. Also called: MUSCULAR DYSTROPHY-DYSTROGLYCANOPATHY (LIMB-GIRDLE), TYPE C, 1; MUSCULAR DYSTROPHY, LIMB-GIRDLE, TYPE 2K. Identifiers: Orphanet 86812, MedGen C1836373, MONDO:0012248, OMIM 609308.

Submission:

Labcorp Genetics (formerly Invitae), Labcorp
Classification: Uncertain significance for Muscular dystrophy-dystroglycanopathy (congenital with impaired intellectual development), type B, 1; Walker-Warburg congenital muscular dystrophy; Autosomal recessive limb-girdle muscular dystrophy type 2K. Last evaluated: 2024-01-21. Review status: criteria provided, single submitter. Criteria: Invitae Variant Classification Sherloc (09022015). Collection method: clinical testing. Allele origin: germline.
Comment: This sequence change falls in intron 19 of the POMT1 gene. It does not directly change the encoded amino acid sequence of the POMT1 protein. Information on the frequency of this variant in the gnomAD database is not available, as this variant may be reported differently in the database. This variant has not been reported in the literature in individuals affected with POMT1-related conditions. Experimental studies and prediction algorithms are not available or were not evaluated, and the effect of this variant on mRNA splicing is currently unknown. In summary, the available evidence is currently insufficient to determine the role of this variant in disease. Therefore, it has been classified as a Variant of Uncertain Significance.